The following is an entry in ClinVar:

ClinVar aggregate classification (germline): Uncertain significance. Review status: criteria provided, multiple submitters, no conflicts (2 of 4 stars). 2 submissions from 2 submitters: Uncertain significance (2). Last evaluated 2025-08-10.

Allele frequency attached by ClinVar (database versions not stated): gnomAD exomes below 0.00001 and 0.00001; TOPMed below 0.00001; gnomAD 0.00001.
gnomAD v4.1: 24 of 1,610,504 alleles (0.0015%); highest among the groups gnomAD compares: East Asian, 0.018%; no homozygotes.

Submissions (2):

Ambry Genetics
Classification: Uncertain significance. Last evaluated: 2025-08-10. Review status: criteria provided, single submitter. Criteria: Ambry Variant Classification Scheme 2023. Collection method: clinical testing. Allele origin: germline.

Labcorp Genetics (formerly Invitae), Labcorp
Classification: Uncertain significance. Last evaluated: 2023-02-20. Review status: criteria provided, single submitter. Criteria: Invitae Variant Classification Sherloc (09022015). Collection method: clinical testing. Allele origin: germline.
Comment: In summary, the available evidence is currently insufficient to determine the role of this variant in disease. Therefore, it has been classified as a Variant of Uncertain Significance. Algorithms developed to predict the effect of missense changes on protein structure and function output the following: SIFT: "Not Available"; PolyPhen-2: "Benign"; Align-GVGD: "Not Available". The arginine amino acid residue is found in multiple mammalian species, which suggests that this missense change does not adversely affect protein function. ClinVar contains an entry for this variant (Variation ID: 1428409). This variant has not been reported in the literature in individuals affected with ERMARD-related conditions. This variant is present in population databases (no rsID available, gnomAD 0.01%). This sequence change replaces lysine, which is basic and polar, with arginine, which is basic and polar, at codon 662 of the ERMARD protein (p.Lys662Arg).

NM_018341.3(ERMARD):c.1985A>G (p.Lys662Arg)

Gene: ERMARD (ER membrane associated RNA degradation; plus strand). Cytogenetic location: 6q27.
Variant type: single nucleotide variant.
Coding change: c.1985A>G on transcript NM_018341.3 (MANE Select); coding-DNA position 1985, A replaced by G.
Protein change: p.Lys662Arg; replaces lysine 662 with arginine.
Molecular consequence: missense variant.
Genome position (GRCh38, 1-based): chr6:169,781,461, A>G. VCF-style: chr6-169781461-A-G. GRCh37 (hg19) VCF-style: chr6-170181557-A-G.
Other names: c.1844A>G, p.Lys615Arg (NM_001278531.2); c.1607A>G, p.Lys536Arg (NM_001278532.2); c.1766A>G, p.Lys589Arg (NM_001278533.2); c.1985A>G (NM_018341.1); short protein forms K615R, K662R, K536R, K589R.
Identifiers: ClinVar variation 1428409 (VCV001428409.9), dbSNP rs1021243611, ClinGen allele CA152156757.
Genomic context (GRCh38, chr6:169,781,461, plus strand): 5'-ATGAAACTATCAATCTTACACATACAGCTTTGTTGAAAATGTGGACTTTTAGTGAGAAGA[A>G]ACAAATGTTAATACATTTAGCCAAGAAATCCACAAGTAAAGTACTCTTATGAAAACTTGT-3'
Protein context (NP_060811.1, residues 652-672): LLKMWTFSEK[Lys662Arg]QMLIHLAKKS